The following is an entry in ClinVar:

NM_032242.4(PLXNA1):c.3400C>T (p.Arg1134Cys)

Gene: PLXNA1 (plexin A1; plus strand). Cytogenetic location: 3q21.3.
Variant type: single nucleotide variant.
Coding change: c.3400C>T on transcript NM_032242.4 (MANE Select); coding-DNA position 3400, C replaced by T.
Protein change: p.Arg1134Cys; replaces arginine 1134 with cysteine.
Molecular consequence: missense variant.
Genome position (GRCh38, 1-based): chr3:127,017,548, C>T. VCF-style: chr3-127017548-C-T. GRCh37 (hg19) VCF-style: chr3-126736391-C-T.
Other names: short protein forms R1134C.
Identifiers: ClinVar variation 2634985 (VCV002634985.3), dbSNP rs199655040, ClinGen allele CA2594010.

ClinVar aggregate classification (germline): Uncertain significance. Review status: criteria provided, multiple submitters, no conflicts (2 of 4 stars). 2 submissions from 2 submitters: Uncertain significance (2). Last evaluated 2026-03-25.

Conditions:
PLXNA1-related disorder. Also called: PLXNA1-related condition.

Submissions (2):

PreventionGenetics, part of Exact Sciences
Classification: Uncertain significance for PLXNA1-related condition. Last evaluated: 2026-03-25. Review status: criteria provided, single submitter. Criteria: ACMG Guidelines, 2015. Collection method: clinical testing. Allele origin: germline.
Comment: The PLXNA1 c.3400C>T variant is predicted to result in the amino acid substitution p.Arg1134Cys. To our knowledge, this variant has not been reported in the literature. This variant is reported in 0.0070% of alleles in individuals of European (Non-Finnish) descent in gnomAD. Of note, a different missense variant impacting the same amino acid (p.Arg1134His) has been reported in the heterozygous state in patients with isolated hypogonadotropic hypogonadism or Kallmann syndrome (Men et al. 2021. PubMed ID: 34636164). At this time, the clinical significance of this variant is uncertain due to the absence of conclusive functional and genetic evidence.

Ambry Genetics
Classification: Uncertain significance. Last evaluated: 2024-12-30. Review status: criteria provided, single submitter. Criteria: Ambry Variant Classification Scheme 2023. Collection method: clinical testing. Allele origin: germline.